The following is an entry in ClinVar:

NM_080669.6(SLC46A1):c.19C>G (p.Pro7Ala)

Genes: SLC46A1 (solute carrier family 46 member 1; minus strand), LOC130060550 (ATAC-STARR-seq lymphoblastoid silent region 8340; plus strand). Cytogenetic location: 17q11.2.
Variant type: single nucleotide variant.
Coding change: c.19C>G on transcript NM_080669.6 (MANE Select); coding-DNA position 19, C replaced by G.
Protein change: p.Pro7Ala; replaces proline 7 with alanine.
Molecular consequence: missense variant.
Genome position (GRCh38, 1-based): chr17:28,406,096, G>C on the plus strand (C>G on the coding strand, the complement: SLC46A1 is on the minus strand). VCF-style: chr17-28406096-G-C. GRCh37 (hg19) VCF-style: chr17-26733114-G-C.
Other names: c.19C>G, p.Pro7Ala (NM_001242366.3); short protein forms P7A.
Identifiers: ClinVar variation 1355855 (VCV001355855.6), dbSNP rs2068259900, ClinGen allele CA398355039.

ClinVar aggregate classification (germline): Uncertain significance (1 of 4 stars; one submission).

Submission:

Labcorp Genetics (formerly Invitae), Labcorp
Classification: Uncertain significance. Last evaluated: 2021-05-21. Review status: criteria provided, single submitter. Criteria: Invitae Variant Classification Sherloc (09022015). Collection method: clinical testing. Allele origin: germline.
Comment: In summary, the available evidence is currently insufficient to determine the role of this variant in disease. Therefore, it has been classified as a Variant of Uncertain Significance. Experimental studies and prediction algorithms are not available or were not evaluated, and the functional significance of this variant is currently unknown. This variant has not been reported in the literature in individuals with SLC46A1-related conditions. The frequency data for this variant in the population databases is considered unreliable, as metrics indicate insufficient coverage at this position in the ExAC database. This sequence change replaces proline with alanine at codon 7 of the SLC46A1 protein (p.Pro7Ala). The proline residue is weakly conserved and there is a small physicochemical difference between proline and alanine.